The following is an entry in ClinVar:

NM_001848.3(COL6A1):c.957+4A>G

Gene: COL6A1 (collagen type VI alpha 1 chain; plus strand). Cytogenetic location: 21q22.3.
Variant type: single nucleotide variant.
Coding change: c.957+4A>G on transcript NM_001848.3 (MANE Select); 4 bases into the intron after coding-DNA position 957, A replaced by G.
Molecular consequence: intron variant.
Genome position (GRCh38, 1-based): chr21:45,990,288, A>G. VCF-style: chr21-45990288-A-G. GRCh37 (hg19) VCF-style: chr21-47410202-A-G.
Identifiers: ClinVar variation 4005490 (VCV004005490.2).

ClinVar aggregate classification (germline): Likely pathogenic (1 of 4 stars; one submission).

Conditions:
Inborn genetic diseases. Identifiers: MedGen C0950123, MeSH D030342.

Submission:

Ambry Genetics
Classification: Likely pathogenic for Inborn genetic diseases. Last evaluated: 2025-06-27. Review status: criteria provided, single submitter. Criteria: Ambry Variant Classification Scheme 2023. Collection method: clinical testing. Allele origin: germline.
Comment: The c.957+4A>G intronic alteration results from an A to G substitution 4 nucleotides after coding exon 12 of the COL6A1 gene. This variant was not reported in population-based cohorts in the Genome Aggregation Database (gnomAD). This nucleotide position is highly conserved in available vertebrate species. RNA studies have demonstrated that this alteration results in abnormal splicing in the set of samples tested (Ambry internal data). In silico splice site analysis for this alteration is inconclusive. Based on the available evidence, this alteration is classified as likely pathogenic.